The following is an entry in ClinVar:

ClinVar aggregate classification (germline): Likely benign (1 of 4 stars; one submission).

Allele frequency attached by ClinVar (database versions not stated): gnomAD 0.00001; gnomAD exomes 0.00001; TOPMed 0.00003.
gnomAD v4.1: 4 of 1,174,062 alleles (0.00034%); highest among the groups gnomAD compares: East Asian, 0.0031%; no homozygotes.

Submission:

CeGaT Center for Human Genetics Tuebingen
Classification: Likely benign. Last evaluated: 2022-11-01. Review status: criteria provided, single submitter. Criteria: CeGaT Center For Human Genetics Tuebingen Variant Classification Criteria Version 2. Collection method: clinical testing. Allele origin: germline. Affected: yes. Observed: 1 variant allele.
Comment: TREX2: BP4, BP7

NM_080701.4(TREX2):c.426T>C (p.Thr142=)

Gene: TREX2 (three prime repair exonuclease 2; minus strand). Cytogenetic location: Xq28.
Variant type: single nucleotide variant.
Coding change: c.426T>C on transcript NM_080701.4 (MANE Select); coding-DNA position 426, T replaced by C.
Protein change: p.Thr142=; no amino-acid change (threonine 142 retained).
Molecular consequence: synonymous variant.
Genome position (GRCh38, 1-based): chrX:153,445,005, A>G on the plus strand (T>C on the coding strand, the complement: TREX2 is on the minus strand). VCF-style: chrX-153445005-A-G. GRCh37 (hg19) VCF-style: chrX-152710463-A-G.
Other names: c.426T>C, p.Thr142= (NM_007205.3).
Identifiers: ClinVar variation 2661689 (VCV002661689.24), dbSNP rs1173814112, ClinGen allele CA519342856.